The following is an entry in ClinVar:

NM_001267550.2(TTN):c.14372-2A>C

Gene: TTN (titin; minus strand). Cytogenetic location: 2q31.2.
Variant type: single nucleotide variant.
Coding change: c.14372-2A>C on transcript NM_001267550.2 (MANE Select); the canonical splice acceptor site of the intron before coding-DNA position 14372, A replaced by C.
Molecular consequence: splice acceptor variant. On other transcripts: intron variant (3).
Genome position (GRCh38, 1-based): chr2:178,736,076, T>G on the plus strand (A>C on the coding strand, the complement: TTN is on the minus strand). VCF-style: chr2-178736076-T-G. GRCh37 (hg19) VCF-style: chr2-179600803-T-G.
Other names: c.13282+2006A>C (NM_003319.4); c.13858+2006A>C (NM_133437.4); c.13657+2006A>C (NM_133432.3); c.10640-2A>C (NM_133378.4); c.13421-2A>C (NM_001256850.1).
Identifiers: ClinVar variation 501771 (VCV000501771.12), dbSNP rs747942388, ClinGen allele CA349600286.
Genomic context (GRCh38, chr2:178,736,076, plus strand): 5'-CTTACCCACAAAAGTTGTAAGGGACTTAGGTCTGGAGAGAAAGGTTGGTGGATATGCCTC[T>G]GCAAAAGAAATTTTTCCAGCATTACATTTAGTCCCCACCAAAGCACTTGCTGTAATTATA-3'

ClinVar aggregate classification (germline): Conflicting classifications of pathogenicity. Review status: criteria provided, conflicting classifications (1 of 4 stars). 2 submissions from 2 submitters: Pathogenic (1); Uncertain significance (1). Last evaluated 2024-10-18.

Conditions:
Autosomal recessive limb-girdle muscular dystrophy type 2J (LGMDR10). Also called: MUSCULAR DYSTROPHY, LIMB-GIRDLE, AUTOSOMAL RECESSIVE 10; Limb-girdle muscular dystrophy, type 2J. Identifiers: Orphanet 140922, MedGen C1837342, MONDO:0012127, OMIM 608807.
Dilated cardiomyopathy 1G (CMD1G). Identifiers: Orphanet 154, MedGen C1858763, MONDO:0011400, OMIM 604145.

Submissions (2):

Labcorp Genetics (formerly Invitae), Labcorp
Classification: Pathogenic for Dilated cardiomyopathy 1G; Autosomal recessive limb-girdle muscular dystrophy type 2J. Last evaluated: 2024-10-18. Review status: criteria provided, single submitter. Criteria: Invitae Variant Classification Sherloc (09022015). Collection method: clinical testing. Allele origin: germline.
Comment: This sequence change affects an acceptor splice site in intron 49 of the TTN gene. While this is not anticipated to result in nonsense mediated decay, it is expected to create a truncated TTN protein. This variant is not present in population databases (gnomAD no frequency). Disruption of this splice site has been observed in individual(s) with autosomal recessive TTN-related conditions (PMID: 27868403). In at least one individual the data is consistent with being in trans (on the opposite chromosome) from a pathogenic variant. It has also been observed to segregate with disease in related individuals. ClinVar contains an entry for this variant (Variation ID: 501771). Algorithms developed to predict the effect of sequence changes on RNA splicing suggest that this variant may disrupt the consensus splice site. This variant is located in the I band of TTN (PMID: 25589632). Truncating variants in this region have been reported in individuals affected with autosomal recessive centronuclear myopathy (PMID: 23975875, internal data). Truncating variants in this region have also been identified in individuals affected with autosomal dominant dilated cardiomyopathy and/or cardio-related conditions (PMID: 27869827, 32964742, internal data). For these reasons, this variant has been classified as Pathogenic.

Eurofins Ntd Llc (ga)
Classification: Uncertain significance. Last evaluated: 2017-05-08. Review status: criteria provided, single submitter. Criteria: EGL Classification Definitions 2015. Collection method: clinical testing. Allele origin: germline. Observed: 2 variant alleles, 2 heterozygotes.

Literature cited by the submitters: PubMed 27868403 (cited by Labcorp Genetics (formerly Invitae), Labcorp); PubMed 25589632 (cited by Labcorp Genetics (formerly Invitae), Labcorp); PubMed 23975875 (cited by Labcorp Genetics (formerly Invitae), Labcorp); PubMed 27869827 (cited by Labcorp Genetics (formerly Invitae), Labcorp); PubMed 32964742 (cited by Labcorp Genetics (formerly Invitae), Labcorp).